The following is an entry in ClinVar:

ClinVar aggregate classification (germline): Uncertain significance. Review status: criteria provided, multiple submitters, no conflicts (2 of 4 stars). 2 submissions from 2 submitters: Uncertain significance (2). Last evaluated 2024-06-03.

Conditions:
Birt-Hogg-Dube syndrome. Also called: Birt Hogg Dubé syndrome. Identifiers: Orphanet 122, MedGen C0346010, MONDO:0800444.

Submissions (2):

GeneDx
Classification: Uncertain significance. Last evaluated: 2024-06-03. Review status: criteria provided, single submitter. Criteria: GeneDx Variant Classification Process June 2021. Collection method: clinical testing. Allele origin: germline. Affected: yes.
Comment: Not observed at significant frequency in large population cohorts (gnomAD); In silico analysis indicates that this missense variant does not alter protein structure/function; Has not been previously published as pathogenic or benign to our knowledge

Labcorp Genetics (formerly Invitae), Labcorp
Classification: Uncertain significance for Birt-Hogg-Dube syndrome. Last evaluated: 2022-10-16. Review status: criteria provided, single submitter. Criteria: Invitae Variant Classification Sherloc (09022015). Collection method: clinical testing. Allele origin: germline.
Comment: This sequence change replaces lysine, which is basic and polar, with arginine, which is basic and polar, at codon 77 of the FLCN protein (p.Lys77Arg). This variant is not present in population databases (gnomAD no frequency). This variant has not been reported in the literature in individuals affected with FLCN-related conditions. Advanced modeling of protein sequence and biophysical properties (such as structural, functional, and spatial information, amino acid conservation, physicochemical variation, residue mobility, and thermodynamic stability) performed at Invitae indicates that this missense variant is not expected to disrupt FLCN protein function. In summary, the available evidence is currently insufficient to determine the role of this variant in disease. Therefore, it has been classified as a Variant of Uncertain Significance.

NM_144997.7(FLCN):c.230A>G (p.Lys77Arg)

Gene: FLCN (folliculin; minus strand). Cytogenetic location: 17p11.2.
Variant type: single nucleotide variant.
Coding change: c.230A>G on transcript NM_144997.7 (MANE Select); coding-DNA position 230, A replaced by G.
Protein change: p.Lys77Arg; replaces lysine 77 with arginine.
Molecular consequence: missense variant.
Genome position (GRCh38, 1-based): chr17:17,227,908, T>C on the plus strand (A>G on the coding strand, the complement: FLCN is on the minus strand). VCF-style: chr17-17227908-T-C. GRCh37 (hg19) VCF-style: chr17-17131222-T-C.
Other names: c.230A>G, p.Lys77Arg (NM_001353229.2, NM_001353230.2, NM_001353231.2 and 1 more transcripts); short protein forms K77R.
Identifiers: ClinVar variation 2413794 (VCV002413794.6), dbSNP rs746556970, ClinGen allele CA398535054.